The following is an entry in ClinVar:

ClinVar aggregate classification (germline): Benign. Review status: criteria provided, single submitter (1 of 4 stars). 2 submissions from 2 submitters: Benign (1). 1 of the submissions does not count toward it. Last evaluated 2025-06-09.

Conditions:
SAR1B-related disorder. Also called: SAR1B-related condition.

Submissions (2):

Labcorp Genetics (formerly Invitae), Labcorp
Classification: Benign. Last evaluated: 2025-06-09. Review status: criteria provided, single submitter. Criteria: Invitae Variant Classification Sherloc (09022015). Collection method: clinical testing. Allele origin: germline.

PreventionGenetics, part of Exact Sciences
Classification: Likely benign for SAR1B-related condition. Last evaluated: 2023-04-16. Review status: no assertion criteria provided. Collection method: clinical testing. Allele origin: germline. Not counted in ClinVar's aggregate classification.
Comment: This variant is classified as likely benign based on ACMG/AMP sequence variant interpretation guidelines (Richards et al. 2015 PMID: 25741868, with internal and published modifications).

NM_016103.4(SAR1B):c.349-4dup

Gene: SAR1B (secretion associated Ras related GTPase 1B; minus strand). Cytogenetic location: 5q31.1.
Variant type: Duplication.
Coding change: c.349-4dup on transcript NM_016103.4 (MANE Select); 4 bases into the intron before coding-DNA position 349, one base duplicated (T; older notation c.349-4dupT).
Molecular consequence: intron variant.
Genome position (GRCh38, 1-based): chr5:134,608,507, A duplicated on the plus strand (T on the coding strand, the reverse complement: SAR1B is on the minus strand); the first of 7 consecutive A bases (chr5:134,608,507-134,608,513); duplicating any one gives the same sequence. VCF-style (leftmost placement, unchanged base first): chr5-134608506-G-GA. GRCh37 (hg19) VCF-style: chr5-133944196-G-GA.
Other names: c.349-4dup (NM_001033503.3).
Identifiers: ClinVar variation 3045888 (VCV003045888.3), dbSNP rs1561783785, ClinGen allele CA562819666.